The following is an entry in ClinVar:

ClinVar aggregate classification (germline): Pathogenic (1 of 4 stars; one submission).

Allele frequency attached by ClinVar (database versions not stated): gnomAD exomes 0.00002; ExAC 0.00008.

Submission:

GeneDx
Classification: Pathogenic. Last evaluated: 2025-07-19. Review status: criteria provided, single submitter. Criteria: GeneDx Variant Classification Process June 2021. Collection method: clinical testing. Allele origin: germline. Affected: yes.
Comment: Has not been previously published as pathogenic or benign to our knowledge; Canonical splice site variant predicted to result in a null allele in a gene for which loss of function is a known mechanism of disease

NM_000338.3(SLC12A1):c.2873+1G>A

Gene: SLC12A1 (solute carrier family 12 member 1; plus strand). Cytogenetic location: 15q21.1.
Variant type: single nucleotide variant.
Coding change: c.2873+1G>A on transcript NM_000338.3 (MANE Select); the canonical splice donor site of the intron after coding-DNA position 2873, G replaced by A.
Molecular consequence: splice donor variant.
Genome position (GRCh38, 1-based): chr15:48,288,517, G>A. VCF-style: chr15-48288517-G-A. GRCh37 (hg19) VCF-style: chr15-48580714-G-A.
Other names: c.2873+1G>A (NM_001384136.1, NM_001184832.2).
Identifiers: ClinVar variation 450686 (VCV000450686.3), dbSNP rs201930377, ClinGen allele CA7547537.